The following is an entry in ClinVar:

ClinVar aggregate classification (germline): Uncertain significance. Review status: criteria provided, multiple submitters, no conflicts (2 of 4 stars). 5 submissions from 5 submitters: Uncertain significance (5). Last evaluated 2025-07-08.

Conditions:
Lynch syndrome. Identifiers: Orphanet 144, MedGen C4552100, MONDO:0005835. Disease mechanism: loss of function.
Mismatch repair cancer syndrome 4. Identifiers: MedGen C5436817, MONDO:0030843, OMIM 619101.
Lynch syndrome 4 (LYNCH4). Also called: Colorectal cancer, hereditary nonpolyposis, type 4; Hereditary non-polyposis colorectal cancer, type 4. Identifiers: Orphanet 144, MedGen C1838333, MONDO:0013699, OMIM 614337. Disease mechanism: loss of function.
Hereditary cancer-predisposing syndrome. Also called: Hereditary Cancer Syndrome; Neoplastic Syndromes, Hereditary; Tumor predisposition; Hereditary neoplastic syndrome. Identifiers: Orphanet 140162, MedGen C0027672, MeSH D009386, MONDO:0015356.
Hereditary nonpolyposis colorectal neoplasms. Identifiers: MedGen C0009405, MeSH D003123.

gnomAD v4.1: 1 of 1,611,684 alleles (0.000062%); no homozygotes.

Submissions (5):

Ambry Genetics
Classification: Uncertain significance for Hereditary cancer-predisposing syndrome. Last evaluated: 2025-07-08. Review status: criteria provided, single submitter. Criteria: Ambry Variant Classification Scheme 2023. Collection method: clinical testing. Allele origin: germline.
Comment: The p.T124A variant (also known as c.370A>G), located in coding exon 5 of the PMS2 gene, results from an A to G substitution at nucleotide position 370. The threonine at codon 124 is replaced by alanine, an amino acid with similar properties. This amino acid position is highly conserved in available vertebrate species. In addition, this alteration is predicted to be deleterious by in silico analysis. Based on the available evidence, the clinical significance of this variant remains unclear.

Color Diagnostics, LLC DBA Color Health
Classification: Uncertain significance for Hereditary cancer-predisposing syndrome. Last evaluated: 2024-03-06. Review status: criteria provided, single submitter. Criteria: ACMG Guidelines, 2015. Collection method: clinical testing. Allele origin: germline.
Comment: This missense variant replaces threonine with alanine at codon 124 of the PMS2 protein. Computational prediction suggests that this variant may have deleterious impact on protein structure and function (internally defined REVEL score threshold >= 0.7, PMID: 27666373). To our knowledge, functional studies have not been reported for this variant. This variant has not been reported in individuals affected with PMS2-related disorders in the literature. This variant has not been identified in the general population by the Genome Aggregation Database (gnomAD). The available evidence is insufficient to determine the role of this variant in disease conclusively. Therefore, this variant is classified as a Variant of Uncertain Significance.

Fulgent Genetics
Classification: Uncertain significance for Lynch syndrome 4; Mismatch repair cancer syndrome 4. Last evaluated: 2024-01-18. Review status: criteria provided, single submitter. Criteria: ACMG Guidelines, 2015. Collection method: clinical testing. Allele origin: germline.

All of Us Research Program, National Institutes of Health
Classification: Uncertain significance for Lynch syndrome. Last evaluated: 2023-05-04. Review status: criteria provided, single submitter. Criteria: ACMG Guidelines, 2015. Collection method: clinical testing. Allele origin: germline. Inheritance: Autosomal dominant inheritance. Observed: 1 variant allele, 1 heterozygote.
Comment: This missense variant replaces threonine with alanine at codon 124 of the PMS2 protein. Computational prediction suggests that this variant may have deleterious impact on protein structure and function (internally defined REVEL score threshold >= 0.7, PMID: 27666373). To our knowledge, functional studies have not been reported for this variant. This variant has not been reported in individuals affected with PMS2-related disorders in the literature. This variant has not been identified in the general population by the Genome Aggregation Database (gnomAD). The available evidence is insufficient to determine the role of this variant in disease conclusively. Therefore, this variant is classified as a Variant of Uncertain Significance.

This study involves interpretation of variants in research participants for the purpose of population health screening. Participant phenotype was not available at the time of variant classification. Additional details can be found in publication PMID: 35346344, PMCID: PMC8962531

Labcorp Genetics (formerly Invitae), Labcorp
Classification: Uncertain significance for Hereditary nonpolyposis colorectal neoplasms. Last evaluated: 2022-09-01. Review status: criteria provided, single submitter. Criteria: Invitae Variant Classification Sherloc (09022015). Collection method: clinical testing. Allele origin: germline.
Comment: In summary, the available evidence is currently insufficient to determine the role of this variant in disease. Therefore, it has been classified as a Variant of Uncertain Significance. Algorithms developed to predict the effect of missense changes on protein structure and function (SIFT, PolyPhen-2, Align-GVGD) all suggest that this variant is likely to be disruptive. ClinVar contains an entry for this variant (Variation ID: 490102). This variant has not been reported in the literature in individuals affected with PMS2-related conditions. This variant is not present in population databases (gnomAD no frequency). This sequence change replaces threonine, which is neutral and polar, with alanine, which is neutral and non-polar, at codon 124 of the PMS2 protein (p.Thr124Ala).

NM_000535.7(PMS2):c.370A>G (p.Thr124Ala)

Gene: PMS2 (PMS1 homolog 2, mismatch repair system component; minus strand). Cytogenetic location: 7p22.1.
Variant type: single nucleotide variant.
Coding change: c.370A>G on transcript NM_000535.7 (MANE Select); coding-DNA position 370, A replaced by G.
Protein change: p.Thr124Ala; replaces threonine 124 with alanine.
Molecular consequence: missense variant. On other transcripts: 5 prime UTR variant (8), non-coding transcript variant (1).
Genome position (GRCh38, 1-based): chr7:6,002,620, T>C on the plus strand (A>G on the coding strand, the complement: PMS2 is on the minus strand). VCF-style: chr7-6002620-T-C. GRCh37 (hg19) VCF-style: chr7-6042251-T-C.
Other names: c.-36A>G (NM_001322003.2, NM_001322004.2, NM_001322005.2 and 3 more transcripts); c.370A>G, p.Thr124Ala (NM_001322006.2, NM_001322014.2); c.52A>G, p.Thr18Ala (NM_001322007.2, NM_001322008.2); c.-515A>G (NM_001322011.2, NM_001322012.2); c.61A>G, p.Thr21Ala (NM_001322015.2); short protein forms T124A, T18A, T21A.
Identifiers: ClinVar variation 490102 (VCV000490102.18), dbSNP rs1554304105, ClinGen allele CA366744484.
Genomic context (GRCh38, chr7:6,002,620, plus strand): 5'-TAATTTTCCCATTGTGATCAAACATCAGTCGAGTTCCAACCTTCGCCGATGCGTGGCAGG[T>C]AGAAATGGTGACATCGCTGTGAGAGAATACCAGGCATGGTGTGTTCAGTGAGAGACCCAT-3'
Protein context (NP_000526.2, residues 114-134): LCALSDVTIS[Thr124Ala]CHASAKVGTR